The following is an entry in ClinVar:

ClinVar aggregate classification (germline): Pathogenic. Review status: criteria provided, multiple submitters, no conflicts (2 of 4 stars). 2 submissions from 2 submitters: Pathogenic (2). Last evaluated 2024-07-26.

Conditions:
Kleefstra syndrome 1 (KLEFS1). Identifiers: Orphanet 261494, MedGen C0795833, MONDO:0027407, OMIM 610253.
Intellectual disability. Also called: intellectual disabilities; Intellectual developmental disorder; Intellectual functioning disability. Identifiers: MedGen C3714756, MeSH D008607, MONDO:0001071, HP:0001249.

Submissions (2):

Laboratorio de Genetica e Diagnostico Molecular, Hospital Israelita Albert Einstein
Classification: Pathogenic for Kleefstra syndrome 1. Last evaluated: 2024-07-26. Review status: criteria provided, single submitter. Criteria: ACMG Guidelines, 2015. Collection method: clinical testing. Allele origin: germline. Affected: yes.
Comment: ACMG classification criteria: PVS1 very strong, PS4 supporting, PM2 supporting

Diagnostic Laboratory, Strasbourg University Hospital
Classification: Pathogenic for Intellectual disability. Last evaluated: 2020-09-10. Review status: criteria provided, single submitter. Criteria: ACMG Guidelines, 2015. Collection method: clinical testing. Allele origin: paternal. Affected: yes. Observed: 1 heterozygote.

NM_024757.5(EHMT1):c.380T>G (p.Leu127Ter)

Gene: EHMT1 (euchromatic histone lysine methyltransferase 1; plus strand). Cytogenetic location: 9q34.3.
Variant type: single nucleotide variant.
Coding change: c.380T>G on transcript NM_024757.5 (MANE Select); coding-DNA position 380, T replaced by G.
Protein change: p.Leu127Ter; replaces leucine 127 with a stop codon.
Molecular consequence: nonsense.
Genome position (GRCh38, 1-based): chr9:137,716,920, T>G. VCF-style: chr9-137716920-T-G. GRCh37 (hg19) VCF-style: chr9-140611372-T-G.
Other names: c.380T>G, p.Leu127Ter (NM_001145527.2, NM_001354263.2, NM_001354611.2); c.287T>G, p.Leu96Ter (NM_001354259.2, NM_001354612.2); short protein forms L127*, L96*.
Identifiers: ClinVar variation 981326 (VCV000981326.2), dbSNP rs1945375812, ClinGen allele CA375764728.